The following is an entry in ClinVar:

NM_004304.5(ALK):c.2218G>A (p.Gly740Arg)

Gene: ALK (ALK receptor tyrosine kinase; minus strand). Cytogenetic location: 2p23.2.
Variant type: single nucleotide variant.
Coding change: c.2218G>A on transcript NM_004304.5 (MANE Select); coding-DNA position 2218, G replaced by A.
Protein change: p.Gly740Arg; replaces glycine 740 with arginine.
Molecular consequence: missense variant.
Genome position (GRCh38, 1-based): chr2:29,239,817, C>T on the plus strand (G>A on the coding strand, the complement: ALK is on the minus strand). VCF-style: chr2-29239817-C-T. GRCh37 (hg19) VCF-style: chr2-29462683-C-T.
Other names: short protein forms G740R.
Identifiers: ClinVar variation 960751 (VCV000960751.13), dbSNP rs766541301, ClinGen allele CA1594385.
Genomic context (GRCh38, chr2:29,239,817, plus strand): 5'-GCACAGACACGCCGTGGGACCGCATCATGGTGTTCTTCCCGCCTTTCCCGCCAGCAGCTC[C>T]GTAGCCCGAGATGCTGCAATGGGACAAAGAACGTTGGCTCCCGCTGTGGTATGAAGACTG-3'
Protein context (NP_004295.2, residues 730-750): ATDTYSISGY[Gly740Arg]AAGGKGGKNT

ClinVar aggregate classification (germline): Uncertain significance. Review status: criteria provided, multiple submitters, no conflicts (2 of 4 stars). 2 submissions from 2 submitters: Uncertain significance (2). Last evaluated 2024-08-24.

Conditions:
Hereditary cancer-predisposing syndrome. Also called: Hereditary neoplastic syndrome; Tumor predisposition; Neoplastic Syndromes, Hereditary; Hereditary Cancer Syndrome. Identifiers: Orphanet 140162, MedGen C0027672, MeSH D009386, MONDO:0015356.
Neuroblastoma, susceptibility to, 3. Also called: ALK-Related Neuroblastic Tumor Susceptibility. Identifiers: Orphanet 635, MedGen C2751681, MONDO:0013083, OMIM 613014.

Allele frequency attached by ClinVar (database versions not stated): gnomAD exomes below 0.00001 and 0.00002; TOPMed below 0.00001; ExAC 0.00001; gnomAD 0.00001.
gnomAD v4.1: 7 of 1,613,582 alleles (0.00043%); highest among the groups gnomAD compares: South Asian, 0.0011%; no homozygotes.

Submissions (2):

Ambry Genetics
Classification: Uncertain significance for Hereditary cancer-predisposing syndrome. Last evaluated: 2024-08-24. Review status: criteria provided, single submitter. Criteria: Ambry Variant Classification Scheme 2023. Collection method: clinical testing. Allele origin: germline.
Comment: The p.G740R variant (also known as c.2218G>A), located in coding exon 13 of the ALK gene, results from a G to A substitution at nucleotide position 2218. The glycine at codon 740 is replaced by arginine, an amino acid with dissimilar properties. This amino acid position is conserved. In addition, this alteration is predicted to be deleterious by in silico analysis. Since supporting evidence is limited at this time, the clinical significance of this alteration remains unclear.

Labcorp Genetics (formerly Invitae), Labcorp
Classification: Uncertain significance for Neuroblastoma, susceptibility to, 3. Last evaluated: 2024-07-30. Review status: criteria provided, single submitter. Criteria: Invitae Variant Classification Sherloc (09022015). Collection method: clinical testing. Allele origin: germline.
Comment: This sequence change replaces glycine, which is neutral and non-polar, with arginine, which is basic and polar, at codon 740 of the ALK protein (p.Gly740Arg). This variant is present in population databases (rs766541301, gnomAD 0.003%). This variant has not been reported in the literature in individuals affected with ALK-related conditions. ClinVar contains an entry for this variant (Variation ID: 960751). An algorithm developed to predict the effect of missense changes on protein structure and function (PolyPhen-2) suggests that this variant is likely to be disruptive. In summary, the available evidence is currently insufficient to determine the role of this variant in disease. Therefore, it has been classified as a Variant of Uncertain Significance.